The following is an entry in ClinVar:

ClinVar aggregate classification (germline): Benign (1 of 4 stars; one submission).

Allele frequency attached by ClinVar (database versions not stated): TOPMed 0.15443; 1000 Genomes Project 30x 0.17177; 1000 Genomes Project 0.17472.
gnomAD v4.1: 25,659 of 151,730 alleles (17%); highest among the groups gnomAD compares: South Asian, 29%; 2,337 homozygotes.

Submission:

GeneDx
Classification: Benign. Last evaluated: 2018-06-14. Review status: criteria provided, single submitter. Criteria: GeneDx Variant Classification (06012015). Collection method: clinical testing. Allele origin: germline. Affected: yes.
Comment: This variant is considered likely benign or benign based on one or more of the following criteria: it is a conservative change, it occurs at a poorly conserved position in the protein, it is predicted to be benign by multiple in silico algorithms, and/or has population frequency not consistent with disease.

NM_006073.4(TRDN):c.854-325C>T

Genes: TRDN-AS1 (TRDN antisense RNA 1; plus strand), TRDN (triadin; minus strand). Cytogenetic location: 6q22.31.
Variant type: single nucleotide variant.
Coding change: c.854-325C>T on transcript NM_006073.4 (MANE Select); 325 bases into the intron before coding-DNA position 854, C replaced by T.
Molecular consequence: intron variant.
Genome position (GRCh38, 1-based): chr6:123,465,308, G>A on the plus strand (C>T on the coding strand, the complement: TRDN is on the minus strand). VCF-style: chr6-123465308-G-A. GRCh37 (hg19) VCF-style: chr6-123786453-G-A.
Other names: c.854-325C>T (NM_001251987.2); c.794-325C>T (NM_001256020.2).
Identifiers: ClinVar variation 680814 (VCV000680814.1), dbSNP rs1343640, ClinGen allele CA147276974.